The following is an entry in ClinVar:

ClinVar aggregate classification (germline): Uncertain significance (1 of 4 stars; one submission).

Conditions:
Cardiovascular phenotype. Identifiers: MedGen CN230736.

Submission:

Ambry Genetics
Classification: Uncertain significance for Cardiovascular phenotype. Last evaluated: 2023-03-07. Review status: criteria provided, single submitter. Criteria: Ambry Variant Classification Scheme 2023. Collection method: clinical testing. Allele origin: germline.
Comment: The p.A2400V variant (also known as c.7199C>T), located in coding exon 26 of the APOB gene, results from a C to T substitution at nucleotide position 7199. The alanine at codon 2400 is replaced by valine, an amino acid with similar properties. This amino acid position is conserved. In addition, this alteration is predicted to be tolerated by in silico analysis. Since supporting evidence is limited at this time, the clinical significance of this alteration remains unclear.

NM_000384.3(APOB):c.7199C>T (p.Ala2400Val)

Gene: APOB (apolipoprotein B; minus strand). Cytogenetic location: 2p24.1.
Variant type: single nucleotide variant.
Coding change: c.7199C>T on transcript NM_000384.3 (MANE Select); coding-DNA position 7199, C replaced by T.
Protein change: p.Ala2400Val; replaces alanine 2400 with valine.
Molecular consequence: missense variant.
Genome position (GRCh38, 1-based): chr2:21,009,669, G>A on the plus strand (C>T on the coding strand, the complement: APOB is on the minus strand). VCF-style: chr2-21009669-G-A. GRCh37 (hg19) VCF-style: chr2-21232541-G-A.
Other names: short protein forms A2400V.
Identifiers: ClinVar variation 2451342 (VCV002451342.2), dbSNP rs2465369660, ClinGen allele CA345997680.